The following is an entry in ClinVar:

NM_000044.6(AR):c.161TGC[5] (p.Leu57dup)

Gene: AR (androgen receptor; plus strand). Cytogenetic location: Xq12.
Variant type: Microsatellite.
Coding change: c.161TGC[5] on transcript NM_000044.6 (MANE Select); five copies in a row of the 3-base unit TGC starting at c.161; the reference has four copies in a row; one copy, 3 bases duplicated; also written c.170_172dup.
Protein change: p.Leu57dup; duplicates leucine 57.
Molecular consequence: inframe insertion. On other transcripts: 5 prime UTR variant (1).
Genome position (GRCh38, 1-based): chrX:67,545,316-67,545,318, TGC duplicated; duplicating any 3 consecutive bases within chrX:67,545,307-67,545,318 gives the same sequence; the position shown is the placement nearest the transcript's 3' end. VCF-style (leftmost placement, unchanged base first): chrX-67545306-T-TTGC. GRCh37 (hg19) VCF-style: chrX-66765148-T-TTGC.
Other names: c.-1623TGC[5] (NM_001011645.3); c.161TGC[5], p.Leu57dup (NM_001348061.1, NM_001348063.1, NM_001348064.1); c.170_172dupTGC (NM_000044.3, NM_000044.6); c.170_172dup (NM_000044.6).
Identifiers: ClinVar variation 958035 (VCV000958035.16), dbSNP rs752055010, ClinGen allele CA10436223.
Genomic context (GRCh38, chrX:67,545,306, plus strand): 5'-ATCCAGAACCCGGGCCCCAGGCACCCAGAGGCCGCGAGCGCAGCACCTCCCGGCGCCAGT[T>TTGC]TGCTGCTGCTGCAGCAGCAGCAGCAGCAGCAGCAGCAGCAGCAGCAGCAGCAGCAGCAGC-3'

ClinVar aggregate classification (germline): Conflicting classifications of pathogenicity. Review status: criteria provided, conflicting classifications (1 of 4 stars). 6 submissions from 6 submitters: Pathogenic (2); Likely pathogenic (2); Uncertain significance (2). Last evaluated 2026-03-29.

Conditions:
Androgen resistance syndrome (AIS). Also called: DIHYDROTESTOSTERONE RECEPTOR DEFICIENCY; ANDROGEN RECEPTOR DEFICIENCY; DHTR DEFICIENCY; TESTICULAR FEMINIZATION SYNDROME; Androgen insensitivity syndrome; Androgen insensitivity, complete. Identifiers: Orphanet 754, Orphanet 99429, MedGen C0039585, MONDO:0019154, OMIM 300068. Disease mechanism: loss of function.
Kennedy disease (SMAX1). Also called: KENNEDY SPINAL AND BULBAR MUSCULAR ATROPHY; SPINAL AND BULBAR MUSCULAR ATROPHY, X-LINKED 1; Spinal and Bulbar Muscular Atrophy. Identifiers: Orphanet 481, MedGen C1839259, MONDO:0010735, OMIM 313200.
Prostate cancer. Also called: Malignant tumor of prostate. Identifiers: Orphanet 1331, MedGen C0376358, MONDO:0008315, HP:0012125.
Inborn genetic diseases. Identifiers: MedGen C0950123, MeSH D030342.

Submissions (6):

Dasa
Classification: Uncertain significance. Last evaluated: 2026-03-29. Review status: criteria provided, single submitter. Criteria: DASA Assertion Criteria. Collection method: clinical testing. Allele origin: germline.
Comment: NM_000044.6(AR):c.170_172dupTGC (p.Leu57dup) is an in-frame duplication predicted to duplicate leucine at protein position 57 without shifting the reading frame. Functional evidence supports an impact on the gene or gene product (PMID: 25500996; PMID: 28261839). Also, this variant is rare in population databases. The currently available literature and clinical evidence are not sufficient to establish a definitive association between this variant and the reported condition. Therefore, this variant is classified as a variant of uncertain significance.

Medical and Scientific Branch, Hong Kong Genome Institute
Classification: Likely pathogenic for Androgen resistance syndrome. Last evaluated: 2026-01-26. Review status: criteria provided, single submitter. Criteria: ACMG Guidelines, 2015. Collection method: clinical testing. Allele origin: unknown. Affected: yes.

Labcorp Genetics (formerly Invitae), Labcorp
Classification: Pathogenic for Kennedy disease; Androgen resistance syndrome. Last evaluated: 2025-07-24. Review status: criteria provided, single submitter. Criteria: Invitae Variant Classification Sherloc (09022015). Collection method: clinical testing. Allele origin: germline.
Comment: This variant, c.170_172dup, results in the insertion of 1 amino acid(s) of the AR protein (p.Leu57dup), but otherwise preserves the integrity of the reading frame. This variant is present in population databases (rs752055010, gnomAD 0.007%), including at least one homozygous and/or hemizygous individual. This variant has been observed in individual(s) with AR-related conditions (PMID: 25500996, 28261839; internal data). In at least one individual the variant was observed to be de novo. This variant is also known as p.Leu57dup and p.57_58insLeu. ClinVar contains an entry for this variant (Variation ID: 958035). Experimental studies and prediction algorithms are not available or were not evaluated, and the functional significance of this variant is currently unknown. For these reasons, this variant has been classified as Pathogenic.

Women's Health and Genetics/Laboratory Corporation of America, LabCorp
Classification: Likely pathogenic for Androgen resistance syndrome. Last evaluated: 2024-10-30. Review status: criteria provided, single submitter. Criteria: LabCorp Variant Classification Summary - May 2015. Collection method: clinical testing. Allele origin: germline.
Comment: Variant summary: AR c.170_172dupTGC (p.Leu57dup) results in an in-frame duplication that is predicted to duplicate 1 amino acids into the encoded protein. The variant allele was found at a frequency of 1.9e-05 in 158966 control chromosomes. c.170_172dupTGC has been reported in the literature in hemizygous individuals affected with Androgen Resistance Syndrome (Lund_2003, Tadokoro-Cuccaro_2014, Su_2017). These data indicate that the variant may be associated with disease. At least one publication reports experimental evidence evaluating an impact on protein function. The most pronounced variant effect results in 70% of normal protein expression and activity in in vitro assays (Tadokoro-Cuccaro_2014). The following publications have been ascertained in the context of this evaluation (PMID: 12801573, 28261839, 25500996, Invitae). ClinVar contains an entry for this variant (Variation ID: 958035). Based on the evidence outlined above, the variant was classified as likely pathogenic.

Ambry Genetics
Classification: Uncertain significance for Inborn genetic diseases. Last evaluated: 2023-10-11. Review status: criteria provided, single submitter. Criteria: Ambry Variant Classification Scheme 2023. Collection method: clinical testing. Allele origin: germline.
Comment: The c.170_172dupTGC (p.L57dup) alteration, located in coding exon 1 of the AR gene. The alteration consists of an in-frame duplication of 3 nucleotides from position 170 to 172. This results in the duplication of a leucine residue at codon 57._x000D_ _x000D_ for AR-related androgen insensitivity syndrome; however, it is unlikely to be causative of AR-related spinal and bulbar muscular atrophy. Based on data from gnomAD, the c.170_172dupTGC allele has an overall frequency of 0.003% (6/174505) total alleles studied, with 2 hemizygotes observed. The highest observed frequency was 0.007% (1/14938) of African alleles. This variant has been reported in multiple individuals with features consistent with AR-related androgen insensitivity syndrome (Ferlin, 2006; Su, 2017; Liu, 2020), including a de novo occurrence (He, 2021). A functional study has demonstrated reduced cellular expression and transactivation activity in a luciferase assay (70% of wildtype) for p.L57dup (Tadokoro-Cuccaro, 2014). Based on insufficient or conflicting evidence, the clinical significance of this alteration remains unclear.

Mendelics
Classification: Pathogenic for Familial prostate cancer. Last evaluated: 2022-05-04. Review status: criteria provided, single submitter. Criteria: Mendelics Assertion Criteria 2019. Collection method: clinical testing. Allele origin: germline.

Literature cited by the submitters: PubMed 25500996 (cited by 4 submitters); PubMed 28261839 (cited by 4 submitters); PubMed 12801573 (cited by Women's Health and Genetics/Laboratory Corporation of America, LabCorp); PubMed 17054461 (cited by Ambry Genetics); PubMed 32345305 (cited by Ambry Genetics); PubMed 34367232 (cited by Ambry Genetics).